The following is an entry in ClinVar:

ClinVar aggregate classification (germline): Uncertain significance (1 of 4 stars; one submission).

Submission:

Labcorp Genetics (formerly Invitae), Labcorp
Classification: Uncertain significance. Last evaluated: 2024-07-10. Review status: criteria provided, single submitter. Criteria: Invitae Variant Classification Sherloc (09022015). Collection method: clinical testing. Allele origin: germline.
Comment: This variant, c.3305_3307del, results in the deletion of 1 amino acid(s) of the ITGB4 protein (p.Ile1102del), but otherwise preserves the integrity of the reading frame. The frequency data for this variant in the population databases is considered unreliable, as metrics indicate poor data quality at this position in the gnomAD database. This variant has not been reported in the literature in individuals affected with ITGB4-related conditions. Experimental studies and prediction algorithms are not available or were not evaluated, and the functional significance of this variant is currently unknown. In summary, the available evidence is currently insufficient to determine the role of this variant in disease. Therefore, it has been classified as a Variant of Uncertain Significance.

NM_000213.5(ITGB4):c.3299TCA[2] (p.Ile1102del)

Gene: ITGB4 (integrin subunit beta 4; plus strand). Cytogenetic location: 17q25.1.
Variant type: Microsatellite.
Coding change: c.3299TCA[2] on transcript NM_000213.5 (MANE Select); two copies in a row of the 3-base unit TCA starting at c.3299; the reference has three copies in a row; one copy, 3 bases deleted.
Protein change: p.Ile1102del; deletes isoleucine 1102.
Molecular consequence: inframe deletion. On other transcripts: inframe indel (1).
Genome position (GRCh38, 1-based): chr17:75,749,034-75,749,036, TCA deleted; deleting any 3 consecutive bases within chr17:75,749,026-75,749,036 gives the same sequence; the position shown is the placement nearest the transcript's 3' end. VCF-style (leftmost placement, unchanged base first): chr17-75749025-CCAT-C. GRCh37 (hg19) VCF-style: chr17-73745106-CCAT-C.
Other names: c.3299_3301TCA[2], p.Ile1102del (NM_001005619.2); c.3299TCA[2], p.Ile1102del (NM_001005731.3, NM_001321123.2); short protein forms I1102del.
Identifiers: ClinVar variation 3691178 (VCV003691178.2).